The following is an entry in ClinVar:

ClinVar aggregate classification (germline): Uncertain significance (1 of 4 stars; one submission).

Allele frequency attached by ClinVar (database versions not stated): gnomAD exomes below 0.00001; TOPMed 0.00002.
gnomAD v4.1: 2 of 1,613,224 alleles (0.00012%); highest among the groups gnomAD compares: Non-Finnish European, 0.000085%; no homozygotes.

Submission:

GeneDx
Classification: Uncertain significance. Last evaluated: 2023-08-23. Review status: criteria provided, single submitter. Criteria: GeneDx Variant Classification Process June 2021. Collection method: clinical testing. Allele origin: germline. Affected: yes.
Comment: Not observed at significant frequency in large population cohorts (gnomAD); In silico analysis supports that this missense variant does not alter protein structure/function; Has not been previously published as pathogenic or benign to our knowledge

NM_007214.5(SEC63):c.1745A>G (p.Asn582Ser)

Gene: SEC63 (SEC63 homolog, protein translocation regulator; minus strand). Cytogenetic location: 6q21.
Variant type: single nucleotide variant.
Coding change: c.1745A>G on transcript NM_007214.5 (MANE Select); coding-DNA position 1745, A replaced by G.
Protein change: p.Asn582Ser; replaces asparagine 582 with serine.
Molecular consequence: missense variant.
Genome position (GRCh38, 1-based): chr6:107,883,076, T>C on the plus strand (A>G on the coding strand, the complement: SEC63 is on the minus strand). VCF-style: chr6-107883076-T-C. GRCh37 (hg19) VCF-style: chr6-108204280-T-C.
Other names: short protein forms N582S.
Identifiers: ClinVar variation 3253333 (VCV003253333.1), dbSNP rs374118210.